The following is an entry in ClinVar:

NM_182914.3(SYNE2):c.12190G>A (p.Val4064Ile)

Gene: SYNE2 (spectrin repeat containing nuclear envelope protein 2; plus strand). Cytogenetic location: 14q23.2.
Variant type: single nucleotide variant.
Coding change: c.12190G>A on transcript NM_182914.3 (MANE Select); coding-DNA position 12190, G replaced by A.
Protein change: p.Val4064Ile; replaces valine 4064 with isoleucine.
Molecular consequence: missense variant.
Genome position (GRCh38, 1-based): chr14:64,098,030, G>A. VCF-style: chr14-64098030-G-A. GRCh37 (hg19) VCF-style: chr14-64564748-G-A.
Other names: c.12190G>A, p.Val4064Ile (NM_015180.6); short protein forms V4064I.
Identifiers: ClinVar variation 313568 (VCV000313568.16), dbSNP rs144164967, ClinGen allele CA7222040.

ClinVar aggregate classification (germline): Benign. Review status: criteria provided, multiple submitters, no conflicts (2 of 4 stars). 2 submissions from 2 submitters: Benign (2). Last evaluated 2026-01-08.

Conditions:
Emery-Dreifuss muscular dystrophy 5, autosomal dominant (EDMD5). Also called: EMERY-DREIFUSS MUSCULAR DYSTROPHY 5. Identifiers: Orphanet 261, MedGen C2751805, MONDO:0013072, OMIM 612999.

Allele frequency attached by ClinVar (database versions not stated): gnomAD 0.00021; ESP Exome Variant Server 0.00031; TOPMed 0.00038; ExAC 0.00072; gnomAD exomes 0.00077.
gnomAD v4.1: 452 of 1,614,072 alleles (0.028%); highest among the groups gnomAD compares: Admixed American, 0.33%; 2 homozygotes.

Submissions (2):

Labcorp Genetics (formerly Invitae), Labcorp
Classification: Benign for Emery-Dreifuss muscular dystrophy 5, autosomal dominant. Last evaluated: 2026-01-08. Review status: criteria provided, single submitter. Criteria: Invitae Variant Classification Sherloc (09022015). Collection method: clinical testing. Allele origin: germline.

Illumina Laboratory Services, Illumina
Classification: Benign for Emery-Dreifuss muscular dystrophy 5, autosomal dominant. Last evaluated: 2018-01-12. Review status: criteria provided, single submitter. Criteria: ICSL Variant Classification Criteria 13 December 2019. Collection method: clinical testing. Allele origin: germline.
Comment: This variant was observed in the ICSL laboratory as part of a predisposition screen in an ostensibly healthy population. It had not been previously curated by ICSL or reported in the Human Gene Mutation Database (HGMD: prior to June 1st, 2018), and was therefore a candidate for classification through an automated scoring system. Utilizing variant allele frequency, disease prevalence and penetrance estimates, and inheritance mode, an automated score was calculated to assess if this variant is too frequent to cause the disease. Based on the score and internal cut-off values, a variant classified as benign is not then subjected to further curation. The score for this variant resulted in a classification of benign for this disease.